The following is an entry in ClinVar:

NM_012144.4(DNAI1):c.1163G>A (p.Cys388Tyr)

Gene: DNAI1 (dynein axonemal intermediate chain 1; plus strand). Cytogenetic location: 9p13.3.
Variant type: single nucleotide variant.
Coding change: c.1163G>A on transcript NM_012144.4 (MANE Select); coding-DNA position 1163, G replaced by A.
Protein change: p.Cys388Tyr; replaces cysteine 388 with tyrosine.
Molecular consequence: missense variant.
Genome position (GRCh38, 1-based): chr9:34,506,726, G>A. VCF-style: chr9-34506726-G-A. GRCh37 (hg19) VCF-style: chr9-34506724-G-A.
Other names: c.1175G>A, p.Cys392Tyr (NM_001281428.2); short protein forms C392Y, C388Y.
Identifiers: ClinVar variation 646518 (VCV000646518.17), dbSNP rs767667443, ClinGen allele CA5034309.
Genomic context (GRCh38, chr9:34,506,726, plus strand): 5'-ACAGCCTGAAGAACCCCAGCTTCCCTGAGTACATGTTCAGCAGCAACAGCGGCGTCATGT[G>A]TCTCGACATCCACGTGGACCACCCCTACCTGGTGGCAGTAGGCCACTATGACGGCAACGT-3'
Protein context (NP_036276.1, residues 378-398): YMFSSNSGVM[Cys388Tyr]LDIHVDHPYL

ClinVar aggregate classification (germline): Conflicting classifications of pathogenicity. Review status: criteria provided, conflicting classifications (1 of 4 stars). 5 submissions from 5 submitters: Likely pathogenic (4); Uncertain significance (1). Last evaluated 2024-10-01.

Conditions:
Primary ciliary dyskinesia. Also called: Ciliary dyskinesia. Identifiers: Orphanet 244, MedGen C0008780, MONDO:0016575, HP:0012265.
Kartagener syndrome (CILD1). Also called: CILIARY DYSKINESIA, PRIMARY, 1; SIEWERT SYNDROME; Dextrocardia bronchiectasis and sinusitis; CILIARY DYSKINESIA, PRIMARY, 1, WITH OR WITHOUT SITUS INVERSUS; IMMOTILE CILIA SYNDROME; POLYNESIAN BRONCHIECTASIS. Identifiers: Orphanet 244, MedGen C4551906, MONDO:0009484, OMIM 244400.

Allele frequency attached by ClinVar (database versions not stated): TOPMed 0.00001.
gnomAD v4.1: 5 of 1,614,214 alleles (0.00031%); highest among the groups gnomAD compares: East Asian, 0.0022%; no homozygotes.

Submissions (5):

Natera, Inc.
Classification: Likely pathogenic for Primary ciliary dyskinesia. Last evaluated: 2024-10-01. Review status: criteria provided, single submitter. Criteria: Natera Variant Classification Schema (03/2026). Collection method: clinical testing. Allele origin: germline.
Comment: The c.1163G>A variant in DNAI1 is a missense variant predicted to cause substitution of cysteine to tyrosine at amino acid 388. This variant is rare in the general population with a frequency below the threshold expected for the associated phenotype(s). This variant has been observed in one or more individuals affected with the associated recessive disease, as either homozygous or compound heterozygous with a second variant (PMID: 22690115, 21143860). Additionally, this variant has been observed to segregate in affected family members (PMID: 28939216). Computational prediction algorithms indicate this variant is likely to affect gene or protein function. Given the available evidence, this variant is classified as Likely Pathogenic.

Women's Health and Genetics/Laboratory Corporation of America, LabCorp
Classification: Likely pathogenic for Kartagener syndrome. Last evaluated: 2024-06-11. Review status: criteria provided, single submitter. Criteria: LabCorp Variant Classification Summary - May 2015. Collection method: clinical testing. Allele origin: germline.
Comment: Variant summary: DNAI1 c.1163G>A (p.Cys388Tyr) results in a non-conservative amino acid change located in the WD40 repeat domain (IPR001680) of the encoded protein sequence. Five of five in-silico tools predict a damaging effect of the variant on protein function. The variant allele was found at a frequency of 8e-06 in 251298 control chromosomes (gnomAD). c.1163G>A has been reported in the literature in individuals affected with clinical features of primary ciliary dyskinesia (Takeuchi_2018, Zietkiewicz_2010). These data indicate that the variant is likely to be associated with disease. To our knowledge, no experimental evidence demonstrating an impact on protein function has been reported. The following publications have been ascertained in the context of this evaluation (PMID: 28939216, 21143860). ClinVar contains an entry for this variant (Variation ID: 646518). Based on the evidence outlined above, the variant was classified as likely pathogenic.

Fulgent Genetics
Classification: Likely pathogenic for Kartagener syndrome. Last evaluated: 2024-06-10. Review status: criteria provided, single submitter. Criteria: ACMG Guidelines, 2015. Collection method: clinical testing. Allele origin: germline.

Labcorp Genetics (formerly Invitae), Labcorp
Classification: Likely pathogenic for Primary ciliary dyskinesia. Last evaluated: 2023-05-10. Review status: criteria provided, single submitter. Criteria: Invitae Variant Classification Sherloc (09022015). Collection method: clinical testing. Allele origin: germline.
Comment: This missense change has been observed in individual(s) with primary ciliary dyskinesia (PMID: 21143860, 28939216). In at least one individual the data is consistent with being in trans (on the opposite chromosome) from a pathogenic variant. It has also been observed to segregate with disease in related individuals. In summary, the currently available evidence indicates that the variant is pathogenic, but additional data are needed to prove that conclusively. Therefore, this variant has been classified as Likely Pathogenic. Advanced modeling of protein sequence and biophysical properties (such as structural, functional, and spatial information, amino acid conservation, physicochemical variation, residue mobility, and thermodynamic stability) has been performed at Invitae for this missense variant, however the output from this modeling did not meet the statistical confidence thresholds required to predict the impact of this variant on DNAI1 protein function. ClinVar contains an entry for this variant (Variation ID: 646518). This variant is present in population databases (rs767667443, gnomAD 0.002%). This sequence change replaces cysteine, which is neutral and slightly polar, with tyrosine, which is neutral and polar, at codon 388 of the DNAI1 protein (p.Cys388Tyr).

Illumina Laboratory Services, Illumina
Classification: Uncertain significance for Kartagener syndrome. Last evaluated: 2017-08-16. Review status: criteria provided, single submitter. Criteria: ICSL Variant Classification Criteria 13 December 2019. Collection method: clinical testing. Allele origin: germline.
Comment: This variant was observed as part of a predisposition screen in an ostensibly healthy population. A literature search was performed for the gene, cDNA change, and amino acid change (where applicable). Publications were found based on this search. However, the evidence from the literature, in combination with allele frequency data from public databases where available, was not sufficient to rule this variant in or out of causing disease. Therefore, this variant is classified as a variant of unknown significance.

Literature cited by the submitters: PubMed 22690115 (cited by Natera, Inc.); PubMed 21143860 (cited by 4 submitters); PubMed 28939216 (cited by 3 submitters).